The following is an entry in ClinVar:

NM_007289.4(MME):c.1313_1314del (p.His438fs)

Gene: MME (membrane metalloendopeptidase; plus strand). Cytogenetic location: 3q25.2.
Variant type: Deletion.
Coding change: c.1313_1314del on transcript NM_007289.4 (MANE Select); coding-DNA positions 1313 to 1314, 2 bases deleted (AT; older notation c.1313_1314delAT).
Protein change: p.His438fs; shifts the reading frame from histidine 438.
Molecular consequence: frameshift variant.
Genome position (GRCh38, 1-based): chr3:155,143,567-155,143,568, AT deleted. VCF-style (leftmost placement, unchanged base first): chr3-155143566-CAT-C. GRCh37 (hg19) VCF-style: chr3-154861355-CAT-C.
Other names: c.1313_1314del, p.His438fs (NM_000902.5, NM_001354642.2, NM_001354643.1 and 2 more transcripts); c.1313_1314delAT (NM_007289.4); short protein forms H438fs.
Identifiers: ClinVar variation 1335545 (VCV001335545.41), dbSNP rs765778616, ClinGen allele CA2675450.

ClinVar aggregate classification (germline): Pathogenic/Likely pathogenic. Review status: criteria provided, multiple submitters, no conflicts (2 of 4 stars). 4 submissions from 4 submitters: Pathogenic (2); Likely pathogenic (2). Last evaluated 2025-02-16.

Conditions:
Charcot-Marie-Tooth disease axonal type 2T. Identifiers: Orphanet 443950, MedGen C4015635, OMIM 617017, MONDO:0014866.

Allele frequency attached by ClinVar (database versions not stated): TOPMed below 0.00001; ExAC 0.00001; gnomAD 0.00001; gnomAD exomes 0.00001.

Submissions (4):

Labcorp Genetics (formerly Invitae), Labcorp
Classification: Pathogenic. Last evaluated: 2025-02-16. Review status: criteria provided, single submitter. Criteria: Invitae Variant Classification Sherloc (09022015). Collection method: clinical testing. Allele origin: germline.
Comment: This sequence change creates a premature translational stop signal (p.His438Argfs*19) in the MME gene. It is expected to result in an absent or disrupted protein product. Loss-of-function variants in MME are known to be pathogenic (PMID: 26991897). This variant is present in population databases (rs765778616, gnomAD 0.006%). This variant has not been reported in the literature in individuals affected with MME-related conditions. ClinVar contains an entry for this variant (Variation ID: 1335545). For these reasons, this variant has been classified as Pathogenic.

MGZ Medical Genetics Center
Classification: Likely pathogenic for Charcot-Marie-Tooth disease axonal type 2T. Last evaluated: 2022-08-19. Review status: criteria provided, single submitter. Criteria: ACMG Guidelines, 2015. Collection method: clinical testing. Allele origin: germline. Affected: yes. Observed: 1 variant allele.
Comment: ACMG criteria applied: PVS1, PM2_SUP

CeGaT Center for Human Genetics Tuebingen
Classification: Pathogenic. Last evaluated: 2021-12-01. Review status: criteria provided, single submitter. Criteria: CeGaT Center For Human Genetics Tuebingen Variant Classification Criteria Version 2. Collection method: clinical testing. Allele origin: germline. Affected: yes. Observed: 1 variant allele.

Neuberg Centre For Genomic Medicine, NCGM
Classification: Likely pathogenic for Charcot-Marie-Tooth disease axonal type 2T. Review status: criteria provided, single submitter. Criteria: ACMG Guidelines, 2015. Collection method: clinical testing. Allele origin: germline. Inheritance: Autosomal recessive inheritance. Affected: yes.
Comment: The frameshift deletion p.H438Rfs*19 in MME (NM_007289.4) has not been reported previously as a pathogenic variant nor as a benign variant, to our knowledge. The p.H438Rfs*19 variant is observed in 1/18,384 (0.0054%) alleles from individuals of East Asian background in gnomAD Exomes and is novel (not in any individuals) in 1000 Genomes. This variant is predicted to cause loss of normal protein function through protein truncation. For these reasons, this variant has been classified as Likely Pathogenic.

Literature cited by the submitters: PubMed 26991897 (cited by Labcorp Genetics (formerly Invitae), Labcorp).